The following is an entry in ClinVar:

NM_182961.4(SYNE1):c.22807C>G (p.Leu7603Val)

Gene: SYNE1 (spectrin repeat containing nuclear envelope protein 1; minus strand). Cytogenetic location: 6q25.2.
Variant type: single nucleotide variant.
Coding change: c.22807C>G on transcript NM_182961.4 (MANE Select); coding-DNA position 22807, C replaced by G.
Protein change: p.Leu7603Val; replaces leucine 7603 with valine.
Molecular consequence: missense variant.
Genome position (GRCh38, 1-based): chr6:152,207,989, G>C on the plus strand (C>G on the coding strand, the complement: SYNE1 is on the minus strand). VCF-style: chr6-152207989-G-C. GRCh37 (hg19) VCF-style: chr6-152529124-G-C.
Other names: c.22594C>G, p.Leu7532Val (NM_033071.5); short protein forms L7532V, L7603V.
Identifiers: ClinVar variation 1055354 (VCV001055354.11), dbSNP rs372246112, ClinGen allele CA4053796.

ClinVar aggregate classification (germline): Uncertain significance. Review status: criteria provided, multiple submitters, no conflicts (2 of 4 stars). 2 submissions from 2 submitters: Uncertain significance (2). Last evaluated 2024-02-27.

Conditions:
Emery-Dreifuss muscular dystrophy 4, autosomal dominant (EDMD4). Also called: EMERY-DREIFUSS MUSCULAR DYSTROPHY 4 WITH VARIABLE FEATURES. Identifiers: Orphanet 261, MedGen C2751807, MONDO:0013071, OMIM 612998.
Autosomal recessive ataxia, Beauce type. Also called: Spinocerebellar ataxia, autosomal recessive 8; ATAXIA, RECESSIVE, OF BEAUCE; SYNE1 Deficiency; SYNE1-Related Autosomal Recessive Cerebellar Ataxia. Identifiers: Orphanet 88644, MedGen C1853116, MONDO:0012549, OMIM 610743.

Allele frequency attached by ClinVar (database versions not stated): ESP Exome Variant Server 0.00008; 1000 Genomes Project 30x 0.00031; 1000 Genomes Project 0.00040; gnomAD exomes 0.00001; ExAC 0.00002; TOPMed 0.00002; gnomAD 0.00003 and 0.00004.
gnomAD v4.1: 12 of 1,614,136 alleles (0.00074%); highest among the groups gnomAD compares: African/African-American, 0.016%; 1 homozygote.

Submissions (2):

Women's Health and Genetics/Laboratory Corporation of America, LabCorp
Classification: Uncertain significance. Last evaluated: 2024-02-27. Review status: criteria provided, single submitter. Criteria: LabCorp Variant Classification Summary - May 2015. Collection method: clinical testing. Allele origin: germline.
Comment: Variant summary: SYNE1 c.22594C>G (p.Leu7532Val) results in a conservative amino acid change in the encoded protein sequence. Three of five in-silico tools predict a damaging effect of the variant on protein function. The variant allele was found at a frequency of 1.2e-05 in 251314 control chromosomes (gnomAD). The available data on variant occurrences in the general population are insufficient to allow any conclusion about variant significance. To our knowledge, no occurrence of c.22594C>G in individuals affected with SYNE1-Related Disorders and no experimental evidence demonstrating its impact on protein function have been reported. ClinVar contains an entry for this variant (Variation ID: 1055354). Based on the evidence outlined above, the variant was classified as uncertain significance.

Labcorp Genetics (formerly Invitae), Labcorp
Classification: Uncertain significance for Emery-Dreifuss muscular dystrophy 4, autosomal dominant; Autosomal recessive ataxia, Beauce type. Last evaluated: 2022-07-13. Review status: criteria provided, single submitter. Criteria: Invitae Variant Classification Sherloc (09022015). Collection method: clinical testing. Allele origin: germline.
Comment: In summary, the available evidence is currently insufficient to determine the role of this variant in disease. Therefore, it has been classified as a Variant of Uncertain Significance. Algorithms developed to predict the effect of missense changes on protein structure and function (SIFT, PolyPhen-2, Align-GVGD) all suggest that this variant is likely to be disruptive. ClinVar contains an entry for this variant (Variation ID: 1055354). This variant has not been reported in the literature in individuals affected with SYNE1-related conditions. This variant is present in population databases (rs372246112, gnomAD 0.02%). This sequence change replaces leucine, which is neutral and non-polar, with valine, which is neutral and non-polar, at codon 7532 of the SYNE1 protein (p.Leu7532Val).